The following is an entry in ClinVar:

NM_017534.6(MYH2):c.946G>T (p.Val316Phe)

Genes: MYHAS (myosin heavy chain gene cluster antisense RNA; plus strand), MYH2 (myosin heavy chain 2; minus strand). Cytogenetic location: 17p13.1.
Variant type: single nucleotide variant.
Coding change: c.946G>T on transcript NM_017534.6 (MANE Select); coding-DNA position 946, G replaced by T.
Protein change: p.Val316Phe; replaces valine 316 with phenylalanine.
Molecular consequence: missense variant.
Genome position (GRCh38, 1-based): chr17:10,540,656, C>A on the plus strand (G>T on the coding strand, the complement: MYH2 is on the minus strand). VCF-style: chr17-10540656-C-A. GRCh37 (hg19) VCF-style: chr17-10443973-C-A.
Other names: c.946G>T, p.Val316Phe (NM_001100112.2); short protein forms V316F.
Identifiers: ClinVar variation 4776510 (VCV004776510.1).

ClinVar aggregate classification (germline): Uncertain significance (1 of 4 stars; one submission).

Conditions:
Myopathy, proximal, and ophthalmoplegia (CMYO6). Also called: CONGENITAL MYOPATHY 6 WITH OPHTHALMOPLEGIA; MYOPATHY WITH CONGENITAL JOINT CONTRACTURES, OPHTHALMOPLEGIA, AND RIMMED VACUOLES; INCLUSION BODY MYOPATHY 3, AUTOSOMAL DOMINANT. Identifiers: Orphanet 363677, Orphanet 79091, MedGen C1854106, MONDO:0011577, OMIM 605637.

Submission:

Labcorp Genetics (formerly Invitae), Labcorp
Classification: Uncertain significance for Myopathy, proximal, and ophthalmoplegia. Last evaluated: 2025-09-24. Review status: criteria provided, single submitter. Criteria: Invitae Variant Classification Sherloc (09022015). Collection method: clinical testing. Allele origin: germline.
Comment: This sequence change replaces valine, which is neutral and non-polar, with phenylalanine, which is neutral and non-polar, at codon 316 of the MYH2 protein (p.Val316Phe). This variant is not present in population databases (gnomAD no frequency). This variant has not been reported in the literature in individuals affected with MYH2-related conditions. Invitae Evidence Modeling of protein sequence and biophysical properties (such as structural, functional, and spatial information, amino acid conservation, physicochemical variation, residue mobility, and thermodynamic stability) indicates that this missense variant is not expected to disrupt MYH2 protein function with a negative predictive value of 80%. In summary, the available evidence is currently insufficient to determine the role of this variant in disease. Therefore, it has been classified as a Variant of Uncertain Significance.